The following is an entry in ClinVar:

NM_000384.3(APOB):c.3709T>C (p.Trp1237Arg)

Gene: APOB (apolipoprotein B; minus strand). Cytogenetic location: 2p24.1.
Variant type: single nucleotide variant.
Coding change: c.3709T>C on transcript NM_000384.3 (MANE Select); coding-DNA position 3709, T replaced by C.
Protein change: p.Trp1237Arg; replaces tryptophan 1237 with arginine.
Molecular consequence: missense variant.
Genome position (GRCh38, 1-based): chr2:21,014,581, A>G on the plus strand (T>C on the coding strand, the complement: APOB is on the minus strand). VCF-style: chr2-21014581-A-G. GRCh37 (hg19) VCF-style: chr2-21237453-A-G.
Other names: short protein forms W1237R.
Identifiers: ClinVar variation 4124771 (VCV004124771.1).

ClinVar aggregate classification (germline): Uncertain significance (1 of 4 stars; one submission).

Conditions:
Cardiovascular phenotype. Identifiers: MedGen CN230736.

gnomAD v4.1: 6 of 1,613,994 alleles (0.00037%); highest among the groups gnomAD compares: African/African-American, 0.004%; no homozygotes.

Submission:

Ambry Genetics
Classification: Uncertain significance for Cardiovascular phenotype. Last evaluated: 2025-08-30. Review status: criteria provided, single submitter. Criteria: Ambry Variant Classification Scheme 2023. Collection method: clinical testing. Allele origin: germline.
Comment: The p.W1237R variant (also known as c.3709T>C), located in coding exon 24 of the APOB gene, results from a T to C substitution at nucleotide position 3709. The tryptophan at codon 1237 is replaced by arginine, an amino acid with dissimilar properties. This amino acid position is conserved. In addition, the in silico prediction for this alteration is inconclusive. Based on the available evidence, the clinical significance of this variant remains unclear.